The following is an entry in ClinVar:

ClinVar aggregate classification (germline): Conflicting classifications of pathogenicity. Review status: criteria provided, conflicting classifications (1 of 4 stars). 3 submissions from 3 submitters: Pathogenic (1); Uncertain significance (2). Last evaluated 2025-01-01.

Submissions (3):

CeGaT Center for Human Genetics Tuebingen
Classification: Uncertain significance. Last evaluated: 2025-01-01. Review status: criteria provided, single submitter. Criteria: CeGaT Center For Human Genetics Tuebingen Variant Classification Criteria Version 2. Collection method: clinical testing. Allele origin: germline. Affected: yes. Observed: 1 variant allele.
Comment: ARID1B: PM2, PP2, PS2:Supporting

GeneDx
Classification: Pathogenic. Last evaluated: 2024-09-20. Review status: criteria provided, single submitter. Criteria: GeneDx Variant Classification Process June 2021. Collection method: clinical testing. Allele origin: germline. Affected: yes.
Comment: De novo variant with confirmed parentage in one individual from a large cohort of patients with autism, however further clinical information was not provided (PMID: 35982160); Not observed at significant frequency in large population cohorts (gnomAD); In silico analysis supports that this missense variant has a deleterious effect on protein structure/function; This variant is associated with the following publications: (PMID: 35982159, 35982160)

Labcorp Genetics (formerly Invitae), Labcorp
Classification: Uncertain significance. Last evaluated: 2024-05-17. Review status: criteria provided, single submitter. Criteria: Invitae Variant Classification Sherloc (09022015). Collection method: clinical testing. Allele origin: germline.
Comment: This sequence change replaces glutamic acid, which is acidic and polar, with lysine, which is basic and polar, at codon 1157 of the ARID1B protein (p.Glu1157Lys). This variant is not present in population databases (gnomAD no frequency). This variant has not been reported in the literature in individuals affected with ARID1B-related conditions. ClinVar contains an entry for this variant (Variation ID: 1986320). Advanced modeling of protein sequence and biophysical properties (such as structural, functional, and spatial information, amino acid conservation, physicochemical variation, residue mobility, and thermodynamic stability) has been performed at Invitae for this missense variant, however the output from this modeling did not meet the statistical confidence thresholds required to predict the impact of this variant on ARID1B protein function. In summary, the available evidence is currently insufficient to determine the role of this variant in disease. Therefore, it has been classified as a Variant of Uncertain Significance.

NM_001374828.1(ARID1B):c.3838G>A (p.Glu1280Lys)

Gene: ARID1B (AT-rich interaction domain 1B; plus strand). Cytogenetic location: 6q25.3.
Variant type: single nucleotide variant.
Coding change: c.3838G>A on transcript NM_001374828.1 (MANE Select); coding-DNA position 3838, G replaced by A.
Protein change: p.Glu1280Lys; replaces glutamic acid 1280 with lysine.
Molecular consequence: missense variant.
Genome position (GRCh38, 1-based): chr6:157,184,354, G>A. VCF-style: chr6-157184354-G-A. GRCh37 (hg19) VCF-style: chr6-157505488-G-A.
Other names: c.3589G>A, p.Glu1197Lys (NM_001346813.1); c.1339G>A, p.Glu447Lys (NM_001363725.2); c.3718G>A, p.Glu1240Lys (NM_001371656.1, NM_001374820.1); c.3679G>A, p.Glu1227Lys (NM_017519.3); c.3469G>A, p.Glu1157Lys (NM_020732.3); c.3256G>A, p.Glu1086Lys (NM_175863.2); short protein forms E1157K, E1197K, E1240K, E447K, E1086K, E1227K, E1280K.
Identifiers: ClinVar variation 1986320 (VCV001986320.18), dbSNP rs1554231865, ClinGen allele CA366230523.